The following is an entry in ClinVar:

NM_001144952.2(SDK2):c.2880G>A (p.Ala960=)

Gene: SDK2 (sidekick cell adhesion molecule 2; minus strand). Cytogenetic location: 17q25.1.
Variant type: single nucleotide variant.
Coding change: c.2880G>A on transcript NM_001144952.2 (MANE Select); coding-DNA position 2880, G replaced by A.
Protein change: p.Ala960=; no amino-acid change (alanine 960 retained).
Molecular consequence: synonymous variant.
Genome position (GRCh38, 1-based): chr17:73,401,111, C>T on the plus strand (G>A on the coding strand, the complement: SDK2 is on the minus strand). VCF-style: chr17-73401111-C-T. GRCh37 (hg19) VCF-style: chr17-71397250-C-T.
Identifiers: ClinVar variation 3050203 (VCV003050203.2), dbSNP rs114429753, ClinGen allele CA8743323.

ClinVar aggregate classification (germline): Benign (0 of 4 stars; one submission).

Conditions:
SDK2-related disorder. Also called: SDK2-related condition.

Allele frequency attached by ClinVar (database versions not stated): gnomAD exomes 0.00043; ExAC 0.00311; gnomAD 0.00413; TOPMed 0.00483; ESP Exome Variant Server 0.00518; 1000 Genomes Project 30x 0.00531; 1000 Genomes Project 0.00539.
gnomAD v4.1: 1,282 of 1,564,726 alleles (0.082%); highest among the groups gnomAD compares: African/African-American, 1.5%; 10 homozygotes.

Submission:

PreventionGenetics, part of Exact Sciences
Classification: Benign for SDK2-related condition. Last evaluated: 2019-02-18. Review status: no assertion criteria provided. Collection method: clinical testing. Allele origin: germline.
Comment: This variant is classified as benign based on ACMG/AMP sequence variant interpretation guidelines (Richards et al. 2015 PMID: 25741868, with internal and published modifications).